The following is an entry in ClinVar:

ClinVar aggregate classification (germline): Conflicting classifications of pathogenicity. Review status: criteria provided, conflicting classifications (1 of 4 stars). 5 submissions from 5 submitters: Uncertain significance (1); Benign (2); Likely benign (2). Last evaluated 2026-01-28.

Conditions:
Osteogenesis imperfecta (OI). Identifiers: Orphanet 666, MedGen C0029434, MeSH D010013, MONDO:0019019.

Allele frequency attached by ClinVar (database versions not stated): gnomAD exomes 0.00033 and 0.00052; ExAC 0.00073; gnomAD 0.00273 and 0.00294; TOPMed 0.00308; ESP Exome Variant Server 0.00311; 1000 Genomes Project 30x 0.00359; 1000 Genomes Project 0.00399.

Submissions (5):

Labcorp Genetics (formerly Invitae), Labcorp
Classification: Benign. Last evaluated: 2026-01-28. Review status: criteria provided, single submitter. Criteria: Invitae Variant Classification Sherloc (09022015). Collection method: clinical testing. Allele origin: germline.

Blueprint Genetics
Classification: Benign. Last evaluated: 2024-08-28. Review status: criteria provided, single submitter. Criteria: ACMG Guidelines, 2015. Collection method: clinical testing. Allele origin: germline.

GeneDx
Classification: Likely benign. Last evaluated: 2020-10-09. Review status: criteria provided, single submitter. Criteria: GeneDx Variant Classification Process June 2021. Collection method: clinical testing. Allele origin: germline. Affected: yes.
Comment: This variant is associated with the following publications: (PMID: 33195954)

Genome Diagnostics Laboratory, The Hospital for Sick Children
Classification: Uncertain significance for Osteogenesis imperfecta. Last evaluated: 2018-10-01. Review status: criteria provided, single submitter. Criteria: ACMG Guidelines, 2015. Collection method: clinical testing. Allele origin: germline.

Breakthrough Genomics
Classification: Likely benign. Review status: criteria provided, single submitter. Criteria: ACMG Guidelines, 2015. Collection method: not provided. Allele origin: germline. Inheritance: Autosomal recessive inheritance. Affected: yes.

NM_005430.4(WNT1):c.1007C>T (p.Thr336Met)

Gene: WNT1 (Wnt family member 1; plus strand). Cytogenetic location: 12q13.12.
Variant type: single nucleotide variant.
Coding change: c.1007C>T on transcript NM_005430.4 (MANE Select); coding-DNA position 1007, C replaced by T.
Protein change: p.Thr336Met; replaces threonine 336 with methionine.
Molecular consequence: missense variant.
Genome position (GRCh38, 1-based): chr12:48,981,534, C>T. VCF-style: chr12-48981534-C-T. GRCh37 (hg19) VCF-style: chr12-49375317-C-T.
Other names: short protein forms T336M.
Identifiers: ClinVar variation 1192187 (VCV001192187.15), dbSNP rs148154047, ClinGen allele CA6544496.